The following is an entry in ClinVar:

NM_001384732.1(CPLANE1):c.2194A>T (p.Met732Leu)

Gene: CPLANE1 (ciliogenesis and planar polarity effector complex subunit 1; minus strand). Cytogenetic location: 5p13.2.
Variant type: single nucleotide variant.
Coding change: c.2194A>T on transcript NM_001384732.1 (MANE Select); coding-DNA position 2194, A replaced by T.
Protein change: p.Met732Leu; replaces methionine 732 with leucine.
Molecular consequence: missense variant.
Genome position (GRCh38, 1-based): chr5:37,226,401, T>A on the plus strand (A>T on the coding strand, the complement: CPLANE1 is on the minus strand). VCF-style: chr5-37226401-T-A. GRCh37 (hg19) VCF-style: chr5-37226503-T-A.
Other names: c.2194A>T, p.Met732Leu (NM_023073.4); short protein forms M732L.
Identifiers: ClinVar variation 3707930 (VCV003707930.2).

ClinVar aggregate classification (germline): Uncertain significance (1 of 4 stars; one submission).

gnomAD v4.1: 4 of 1,549,966 alleles (0.00026%); highest among the groups gnomAD compares: African/African-American, 0.0014%; no homozygotes.

Submission:

Labcorp Genetics (formerly Invitae), Labcorp
Classification: Uncertain significance. Last evaluated: 2024-06-14. Review status: criteria provided, single submitter. Criteria: Invitae Variant Classification Sherloc (09022015). Collection method: clinical testing. Allele origin: germline.
Comment: This sequence change replaces methionine, which is neutral and non-polar, with leucine, which is neutral and non-polar, at codon 732 of the CPLANE1 protein (p.Met732Leu). This variant is present in population databases (no rsID available, gnomAD 0.007%). This variant has not been reported in the literature in individuals affected with CPLANE1-related conditions. Advanced modeling of protein sequence and biophysical properties (such as structural, functional, and spatial information, amino acid conservation, physicochemical variation, residue mobility, and thermodynamic stability) performed at Invitae indicates that this missense variant is not expected to disrupt CPLANE1 protein function with a negative predictive value of 95%. Algorithms developed to predict the effect of sequence changes on RNA splicing suggest that this variant may disrupt the consensus splice site. In summary, the available evidence is currently insufficient to determine the role of this variant in disease. Therefore, it has been classified as a Variant of Uncertain Significance.